The following is an entry in ClinVar:

NM_133642.5(LARGE1):c.1702C>G (p.Pro568Ala)

Gene: LARGE1 (LARGE xylosyl- and glucuronyltransferase 1; minus strand). Cytogenetic location: 22q12.3.
Variant type: single nucleotide variant.
Coding change: c.1702C>G on transcript NM_133642.5 (MANE Select); coding-DNA position 1702, C replaced by G.
Protein change: p.Pro568Ala; replaces proline 568 with alanine.
Molecular consequence: missense variant.
Genome position (GRCh38, 1-based): chr22:33,304,257, G>C on the plus strand (C>G on the coding strand, the complement: LARGE1 is on the minus strand). VCF-style: chr22-33304257-G-C. GRCh37 (hg19) VCF-style: chr22-33700243-G-C.
Other names: c.1702C>G, p.Pro568Ala (NM_001362949.2, NM_001362951.2, NM_001362953.2 and 6 more transcripts); c.1546C>G, p.Pro516Ala (NM_001378629.1); c.1099C>G, p.Pro367Ala (NM_001378630.1); c.943C>G, p.Pro315Ala (NM_001378631.1); short protein forms P516A, P315A, P367A, P568A.
Identifiers: ClinVar variation 1522839 (VCV001522839.6), dbSNP rs1934563241, ClinGen allele CA411544145.

ClinVar aggregate classification (germline): Uncertain significance (1 of 4 stars; one submission).

Conditions:
Muscular dystrophy-dystroglycanopathy type B6 (MDDGB6). Also called: MUSCULAR DYSTROPHY-DYSTROGLYCANOPATHY (CONGENITAL WITH IMPAIRED INTELLECTUAL DEVELOPMENT), TYPE B, 6; MUSCULAR DYSTROPHY, CONGENITAL, LARGE-RELATED; MUSCULAR DYSTROPHY, CONGENITAL, TYPE 1D. Identifiers: MedGen C1837229, MONDO:0012138, OMIM 608840.

Allele frequency attached by ClinVar (database versions not stated): gnomAD 0.00001.
gnomAD v4.1: 1 of 1,614,150 alleles (0.000062%); no homozygotes.

Submission:

Labcorp Genetics (formerly Invitae), Labcorp
Classification: Uncertain significance for Muscular dystrophy-dystroglycanopathy type B6. Last evaluated: 2022-08-23. Review status: criteria provided, single submitter. Criteria: Invitae Variant Classification Sherloc (09022015). Collection method: clinical testing. Allele origin: germline.
Comment: In summary, the available evidence is currently insufficient to determine the role of this variant in disease. Therefore, it has been classified as a Variant of Uncertain Significance. Algorithms developed to predict the effect of missense changes on protein structure and function are either unavailable or do not agree on the potential impact of this missense change (SIFT: "Deleterious"; PolyPhen-2: "Probably Damaging"; Align-GVGD: "Class C0"). ClinVar contains an entry for this variant (Variation ID: 1522839). This variant has not been reported in the literature in individuals affected with LARGE1-related conditions. This variant is not present in population databases (gnomAD no frequency). This sequence change replaces proline, which is neutral and non-polar, with alanine, which is neutral and non-polar, at codon 568 of the LARGE1 protein (p.Pro568Ala).